The following is an entry in ClinVar:

ClinVar aggregate classification (germline): Uncertain significance (1 of 4 stars; one submission).

Conditions:
Familial thoracic aortic aneurysm and aortic dissection (TAAD). Also called: Thoracic aortic aneurysms and dissections. Identifiers: Orphanet 91387, MedGen C4707243, MONDO:0019625.
Marfan syndrome (MFS). Also called: FBN1-Related Marfan Syndrome; Marfan syndrome type 1; Marfan's syndrome; Marfan syndrome, classic; MARFAN SYNDROME, TYPE I. Identifiers: Orphanet 284963, Orphanet 558, MedGen C0024796, MONDO:0007947, OMIM 154700.

Submission:

Labcorp Genetics (formerly Invitae), Labcorp
Classification: Uncertain significance for Marfan syndrome; Familial thoracic aortic aneurysm and aortic dissection. Last evaluated: 2018-02-07. Review status: criteria provided, single submitter. Criteria: Invitae Variant Classification Sherloc (09022015). Collection method: clinical testing. Allele origin: germline.
Comment: In summary, the available evidence is currently insufficient to determine the role of this variant in disease. Therefore, it has been classified as a Variant of Uncertain Significance. Algorithms developed to predict the effect of sequence changes on RNA splicing suggest that this variant may create or strengthen a splice site, but this prediction has not been confirmed by published transcriptional studies. This variant has not been reported in the literature in individuals with FBN1-related disease. This variant is not present in population databases (ExAC no frequency). This sequence change affects codon 1042 of the FBN1 mRNA. It is a 'silent' change, meaning that it does not change the encoded amino acid sequence of the FBN1 protein.

NM_000138.5(FBN1):c.3126C>T (p.Gly1042=)

Gene: FBN1 (fibrillin 1; minus strand). Cytogenetic location: 15q21.1.
Variant type: single nucleotide variant.
Coding change: c.3126C>T on transcript NM_000138.5 (MANE Select); coding-DNA position 3126, C replaced by T.
Protein change: p.Gly1042=; no amino-acid change (glycine 1042 retained).
Molecular consequence: synonymous variant.
Genome position (GRCh38, 1-based): chr15:48,488,450, G>A on the plus strand (C>T on the coding strand, the complement: FBN1 is on the minus strand). VCF-style: chr15-48488450-G-A. GRCh37 (hg19) VCF-style: chr15-48780647-G-A.
Identifiers: ClinVar variation 572105 (VCV000572105.8), dbSNP rs1566909928, ClinGen allele CA490019158.